The following is an entry in ClinVar:

ClinVar aggregate classification (germline): Uncertain significance. Review status: criteria provided, multiple submitters, no conflicts (2 of 4 stars). 3 submissions from 3 submitters: Uncertain significance (3). Last evaluated 2026-02-02.

Conditions:
Inborn genetic diseases. Identifiers: MedGen C0950123, MeSH D030342.
PCLO-related disorder. Also called: PCLO-related condition.

Allele frequency attached by ClinVar (database versions not stated): gnomAD 0.00009 and 0.00011; gnomAD exomes 0.00009; ExAC 0.00011; TOPMed 0.00011; ESP Exome Variant Server 0.00025.
gnomAD v4.1: 233 of 1,613,772 alleles (0.014%); highest among the groups gnomAD compares: Non-Finnish European, 0.019%; no homozygotes.

Submissions (3):

Labcorp Genetics (formerly Invitae), Labcorp
Classification: Uncertain significance. Last evaluated: 2026-02-02. Review status: criteria provided, single submitter. Criteria: Invitae Variant Classification Sherloc (09022015). Collection method: clinical testing. Allele origin: germline.
Comment: This sequence change replaces threonine, which is neutral and polar, with alanine, which is neutral and non-polar, at codon 809 of the PCLO protein (p.Thr809Ala). This variant is present in population databases (rs200929546, gnomAD 0.02%). This variant has not been reported in the literature in individuals affected with PCLO-related conditions. ClinVar contains an entry for this variant (Variation ID: 1518954). An algorithm developed to predict the effect of missense changes on protein structure and function outputs the following: PolyPhen-2: "Not Available". The alanine amino acid residue is found in multiple mammalian species, which suggests that this missense change does not adversely affect protein function. In summary, the available evidence is currently insufficient to determine the role of this variant in disease. Therefore, it has been classified as a Variant of Uncertain Significance.

Ambry Genetics
Classification: Uncertain significance for Inborn genetic diseases. Last evaluated: 2024-10-12. Review status: criteria provided, single submitter. Criteria: Ambry Variant Classification Scheme 2023. Collection method: clinical testing. Allele origin: germline.

PreventionGenetics, part of Exact Sciences
Classification: Uncertain significance for PCLO-related condition. Last evaluated: 2023-04-28. Review status: criteria provided, single submitter. Criteria: ACMG Guidelines, 2015. Collection method: clinical testing. Allele origin: germline.
Comment: The PCLO c.2425A>G variant is predicted to result in the amino acid substitution p.Thr809Ala. To our knowledge, this variant has not been reported in the literature. This variant is reported in 0.019% of alleles in individuals of European (Non-Finnish) descent in gnomAD. At this time, the clinical significance of this variant is uncertain due to the absence of conclusive functional and genetic evidence.

NM_033026.6(PCLO):c.2425A>G (p.Thr809Ala)

Gene: PCLO (piccolo presynaptic cytomatrix protein; minus strand). Cytogenetic location: 7q21.11.
Variant type: single nucleotide variant.
Coding change: c.2425A>G on transcript NM_033026.6 (MANE Select); coding-DNA position 2425, A replaced by G.
Protein change: p.Thr809Ala; replaces threonine 809 with alanine.
Molecular consequence: missense variant.
Genome position (GRCh38, 1-based): chr7:83,135,125, T>C on the plus strand (A>G on the coding strand, the complement: PCLO is on the minus strand). VCF-style: chr7-83135125-T-C. GRCh37 (hg19) VCF-style: chr7-82764441-T-C.
Other names: c.2425A>G, p.Thr809Ala (NM_014510.3); c.2425A>G (NM_033026.5); short protein forms T809A.
Identifiers: ClinVar variation 1518954 (VCV001518954.6), dbSNP rs200929546, ClinGen allele CA4321264.